The following is an entry in ClinVar:

NM_014314.4(RIGI):c.1471A>G (p.Lys491Glu)

Gene: RIGI (RNA sensor RIG-I; minus strand). Cytogenetic location: 9p21.1.
Variant type: single nucleotide variant.
Coding change: c.1471A>G on transcript NM_014314.4 (MANE Select); coding-DNA position 1471, A replaced by G.
Protein change: p.Lys491Glu; replaces lysine 491 with glutamic acid.
Molecular consequence: missense variant.
Genome position (GRCh38, 1-based): chr9:32,485,184, T>C on the plus strand (A>G on the coding strand, the complement: RIGI is on the minus strand). VCF-style: chr9-32485184-T-C. GRCh37 (hg19) VCF-style: chr9-32485182-T-C.
Other names: c.1465A>G, p.Lys489Glu (NM_001385907.1); c.1471A>G, p.Lys491Glu (NM_001385909.1); c.1030A>G, p.Lys344Glu (NM_001385910.1); c.862A>G, p.Lys288Glu (NM_001385912.1); c.1456A>G, p.Lys486Glu (NM_001385913.1); c.1027A>G, p.Lys343Glu (NM_001385914.1); short protein forms K491E, K344E, K489E, K288E, K343E, K486E.
Identifiers: ClinVar variation 2120360 (VCV002120360.4), dbSNP rs2489325954, ClinGen allele CA373154395.
Genomic context (GRCh38, chr9:32,485,184, plus strand): 5'-TAAATGGCTATTCCCCAGTAGAGAGAACACAAAATATGAGATTTATCTCACCGAGGTCTT[T>C]GCAGATTCTCTTTGCCAGACTCTCTGTGTCCCTCATCAGCTGAGCTATGATGTATTTAAA-3'
Protein context (NP_055129.2, residues 481-501): DTESLAKRIC[Lys491Glu]DLENLSQIQN

ClinVar aggregate classification (germline): Uncertain significance (1 of 4 stars; one submission).

Submission:

Labcorp Genetics (formerly Invitae), Labcorp
Classification: Uncertain significance. Last evaluated: 2022-05-03. Review status: criteria provided, single submitter. Criteria: Invitae Variant Classification Sherloc (09022015). Collection method: clinical testing. Allele origin: germline.
Comment: This sequence change replaces lysine, which is basic and polar, with glutamic acid, which is acidic and polar, at codon 491 of the DDX58 protein (p.Lys491Glu). This variant is not present in population databases (gnomAD no frequency). In summary, the available evidence is currently insufficient to determine the role of this variant in disease. Therefore, it has been classified as a Variant of Uncertain Significance. Algorithms developed to predict the effect of missense changes on protein structure and function output the following: SIFT: "Tolerated"; PolyPhen-2: "Benign"; Align-GVGD: "Class C0". The glutamic acid amino acid residue is found in multiple mammalian species, which suggests that this missense change does not adversely affect protein function. This variant has not been reported in the literature in individuals affected with DDX58-related conditions.